The following is an entry in ClinVar:

NM_004646.4(NPHS1):c.398-2A>G

Gene: NPHS1 (NPHS1 adhesion molecule, nephrin; minus strand). Cytogenetic location: 19q13.12.
Variant type: single nucleotide variant.
Coding change: c.398-2A>G on transcript NM_004646.4 (MANE Select); the canonical splice acceptor site of the intron before coding-DNA position 398, A replaced by G.
Molecular consequence: splice acceptor variant.
Genome position (GRCh38, 1-based): chr19:35,851,091, T>C on the plus strand (A>G on the coding strand, the complement: NPHS1 is on the minus strand). VCF-style: chr19-35851091-T-C. GRCh37 (hg19) VCF-style: chr19-36341993-T-C.
Identifiers: ClinVar variation 550888 (VCV000550888.10), dbSNP rs1555763974, ClinGen allele CA405410394.

ClinVar aggregate classification (germline): Likely pathogenic. Review status: criteria provided, single submitter (1 of 4 stars). 2 submissions from 2 submitters: Likely pathogenic (1). 1 of the submissions does not count toward it. Last evaluated 2024-02-25.

Conditions:
Finnish congenital nephrotic syndrome (NPHS1). Also called: NEPHROTIC SYNDROME, TYPE 1. Identifiers: Orphanet 839, MedGen C0403399, MONDO:0009732, OMIM 256300.

Allele frequency attached by ClinVar (database versions not stated): gnomAD exomes below 0.00001; TOPMed below 0.00001.
gnomAD v4.1: 6 of 1,614,110 alleles (0.00037%); highest among the groups gnomAD compares: Non-Finnish European, 0.00051%; no homozygotes.

Submissions (2):

Labcorp Genetics (formerly Invitae), Labcorp
Classification: Likely pathogenic. Last evaluated: 2024-02-25. Review status: criteria provided, single submitter. Criteria: Invitae Variant Classification Sherloc (09022015). Collection method: clinical testing. Allele origin: germline.
Comment: This sequence change affects an acceptor splice site in intron 3 of the NPHS1 gene. It is expected to disrupt RNA splicing. Variants that disrupt the donor or acceptor splice site typically lead to a loss of protein function (PMID: 16199547), and loss-of-function variants in NPHS1 are known to be pathogenic (PMID: 11317351, 11854170, 12039988). This variant is not present in population databases (gnomAD no frequency). This variant has not been reported in the literature in individuals affected with NPHS1-related conditions. ClinVar contains an entry for this variant (Variation ID: 550888). Algorithms developed to predict the effect of sequence changes on RNA splicing suggest that this variant may disrupt the consensus splice site. In summary, the currently available evidence indicates that the variant is pathogenic, but additional data are needed to prove that conclusively. Therefore, this variant has been classified as Likely Pathogenic.

Counsyl
Classification: Likely pathogenic for Finnish congenital nephrotic syndrome. Last evaluated: 2017-02-27. Review status: no assertion criteria provided. Collection method: clinical testing. Allele origin: unknown. Not counted in ClinVar's aggregate classification.

Literature cited by the submitters: PubMed 16199547 (cited by Labcorp Genetics (formerly Invitae), Labcorp); PubMed 11317351 (cited by Labcorp Genetics (formerly Invitae), Labcorp); PubMed 11854170 (cited by Labcorp Genetics (formerly Invitae), Labcorp); PubMed 12039988 (cited by Labcorp Genetics (formerly Invitae), Labcorp).